The following is an entry in ClinVar:

NM_000059.4(BRCA2):c.8023A>G (p.Ile2675Val)

Gene: BRCA2 (BRCA2 DNA repair associated; plus strand). Cytogenetic location: 13q13.1.
Variant type: single nucleotide variant.
Coding change: c.8023A>G on transcript NM_000059.4 (MANE Select); coding-DNA position 8023, A replaced by G.
Protein change: p.Ile2675Val; replaces isoleucine 2675 with valine.
Molecular consequence: missense variant.
Genome position (GRCh38, 1-based): chr13:32,363,225, A>G. VCF-style: chr13-32363225-A-G. GRCh37 (hg19) VCF-style: chr13-32937362-A-G.
Other names: NM_000059.4(BRCA2):c.8023A>G; p.Ile2675Val; short protein forms I2675V.
Identifiers: ClinVar variation 52475 (VCV000052475.65), dbSNP rs397507954, ClinGen allele CA025410.
Genomic context (GRCh38, chr13:32,363,225, plus strand): 5'-GTTTTCACTTTTAGATATGATACGGAAATTGATAGAAGCAGAAGATCGGCTATAAAAAAG[A>G]TAATGGAAAGGGATGACACAGCTGCAAAAACACTTGTTCTCTGTGTTTCTGACATAATTT-3'
Protein context (NP_000050.3, residues 2665-2685): DRSRRSAIKK[Ile2675Val]MERDDTAAKT

ClinVar aggregate classification (germline): Pathogenic. Review status: reviewed by expert panel (3 of 4 stars). 21 submissions from 20 submitters: Pathogenic (1). 20 of the submissions do not count toward it. Last evaluated 2024-06-11.

Conditions:
BRCA2-related cancer predisposition. Identifiers: MedGen CN377758, MONDO:0700269.
BRCA2-related disorder. Also called: BRCA2-related condition; BRCA2-related disorders. Identifiers: MedGen CN239275.
Gastric cancer. Also called: Malignant tumor of stomach; Stomach cancer. Identifiers: MedGen C0024623, MeSH D013274, MONDO:0001056, OMIM 613659, HP:0012126.
Prostate cancer. Also called: Malignant tumor of prostate. Identifiers: Orphanet 1331, MedGen C0376358, MONDO:0008315, HP:0012125.
Medulloblastoma (MDB). Also called: MEDULLOBLASTOMA PREDISPOSITION SYNDROME; Medulloblastoma, somatic. Identifiers: Orphanet 616, MedGen C0025149, MeSH D008527, MONDO:0007959, OMIM 155255, HP:0002885.
Breast-ovarian cancer, familial, susceptibility to, 2 (BROVCA2). Also called: BRCA2 Hereditary Breast and Ovarian Cancer. Identifiers: Orphanet 145, MedGen C2675520, MONDO:0012933, OMIM 612555. Disease mechanism: loss of function.
Fanconi anemia complementation group D1. Also called: BRCA2-Related Fanconi Anemia. Identifiers: Orphanet 319462, MedGen C1838457, MONDO:0011584, OMIM 605724.
Wilms tumor 1 (WT1). Also called: Wilms tumor, somatic. Identifiers: Orphanet 654, MedGen CN033288, MONDO:0008679, OMIM 194070.
Pancreatic cancer, susceptibility to, 2. Identifiers: Orphanet 1333, MedGen C3150546, MONDO:0013235, OMIM 613347.
Glioma susceptibility 3 (GLM3). Also called: Glioblastoma 3. Identifiers: Orphanet 182067, Orphanet 360, MedGen C2751641, MONDO:0013093, OMIM 613029.
Familial cancer of breast. Also called: BREAST CANCER, FAMILIAL; hereditary breast carcinoma; Hereditary breast cancer. Identifiers: Orphanet 227535, MedGen C0346153, MONDO:0016419, OMIM 114480. Disease mechanism: loss of function.
Hereditary cancer-predisposing syndrome. Also called: Hereditary Cancer Syndrome; Tumor predisposition; Neoplastic Syndromes, Hereditary; Hereditary neoplastic syndrome. Identifiers: Orphanet 140162, MedGen C0027672, MeSH D009386, MONDO:0015356.
Hereditary breast ovarian cancer syndrome. Also called: Breast and ovarian cancer; BRCA1- and BRCA2-Associated Hereditary Breast and Ovarian Cancer; Hereditary breast and ovarian cancer; Hereditary breast and ovarian cancer syndrome (HBOC); Hereditary breast and ovarian cancer syndrome; Hereditary breast and/or ovarian cancer syndrome. Identifiers: Orphanet 145, MedGen C0677776, MeSH D061325, MONDO:0003582. Disease mechanism: loss of function.

Allele frequency attached by ClinVar (database versions not stated): gnomAD exomes below 0.00001.
gnomAD v4.1: 1 of 1,614,050 alleles (0.000062%); highest among the groups gnomAD compares: East Asian, 0.0022%; no homozygotes.

Submissions 1 to 6 of 21:

ClinGen ENIGMA BRCA1 and BRCA2 Variant Curation Expert Panel, ClinGen
Classification: Pathogenic for BRCA2-related cancer predisposition. Last evaluated: 2024-06-11. Review status: reviewed by expert panel. Criteria: CSpec BRCA1/2ACMG Rules Specifications V1.0. Collection method: curation. Allele origin: germline. Inheritance: Autosomal dominant inheritance.
Comment: The c.8023A>G variant in BRCA2 is a missense variant predicted to cause substitution of Isoleucine by Valine at amino acid 2675 (p.Ile2675Val). This variant is present in gnomAD v2.1 (exomes only, non-cancer subset) or gnomAD v3.1 (non-cancer subset) but is below the ENIGMA BRCA1/2 VCEP threshold >0.00002 for BS1_Supporting (PM2_Supporting, BS1, and BA1 are not met). This variant is reported to result in aberrant mRNA splicing. RT-PCR and mini-gene assays demonstrated that the variant impacts splicing by creation of a donor site, resulting in skipping of 309nt of exon 18 (PMIDs: 18424508, 22505045, 28339459). All studies report no wild-type transcript from the variant allele. Appropriate code strength determined by comparison of results to PVS1 decision tree (PVS1 (RNA) met). Multifactorial likelihood ratio analysis using clinically calibrated data produced a combined LR for this variant of 1612 (based on Cosegregation LR=605.1; Pathology LR=0.88; Co-occurrence LR=1.05; Family History LR=2.88), above the threshold for Very strong evidence towards pathogenicity (LR >350) (PP4_Very strong met; PMID: 31131967). In summary, this variant meets the criteria to be classified as a Pathogenic variant for BRCA2-related cancer predisposition based on the ACMG/AMP criteria applied as specified by the ENIGMA BRCA1/2 VCEP (PVS1 (RNA), PP4_Very strong).

Labcorp Genetics (formerly Invitae), Labcorp
Classification: Pathogenic for Hereditary breast ovarian cancer syndrome. Last evaluated: 2025-12-28. Review status: criteria provided, single submitter. Criteria: Invitae Variant Classification Sherloc (09022015). Collection method: clinical testing. Allele origin: germline. Not counted in ClinVar's aggregate classification.
Comment: This sequence change replaces isoleucine, which is neutral and non-polar, with valine, which is neutral and non-polar, at codon 2675 of the BRCA2 protein (p.Ile2675Val). RNA analysis indicates that this missense change induces altered splicing and likely results in the loss of 103 amino acid residue(s), but is expected to preserve the integrity of the reading-frame. This variant is present in population databases (rs397507954, gnomAD 0.006%). This missense change has been observed in individual(s) with clinical features of hereditary breast and ovarian cancer syndrome (PMID: 18424508, 23683081, 24249303, 25802882, 26757417, 27157322, 27741520). ClinVar contains an entry for this variant (Variation ID: 52475). Invitae Evidence Modeling of protein sequence and biophysical properties (such as structural, functional, and spatial information, amino acid conservation, physicochemical variation, residue mobility, and thermodynamic stability) indicates that this missense variant is not expected to disrupt BRCA2 protein function with a negative predictive value of 95%. Studies have shown that this missense change results in the activation of a cryptic splice site in exon 18 (PMID: 18424508, 22505045, 27157322, 28339459, 31191615; internal data). This variant disrupts a region of the BRCA2 protein in which other variant(s) (p.Asp2723His) have been determined to be pathogenic (PMID: 15290653, 15695382, 16489001, 18607349, 23108138, 25146914). This suggests that this is a clinically significant region of the protein, and that variants that disrupt it are likely to be disease-causing. For these reasons, this variant has been classified as Pathogenic.

CeGaT Center for Human Genetics Tuebingen
Classification: Pathogenic. Last evaluated: 2025-12-01. Review status: criteria provided, single submitter. Criteria: CeGaT Center For Human Genetics Tuebingen Variant Classification Criteria Version 2. Collection method: clinical testing. Allele origin: germline. Affected: yes. Observed: 1 variant allele. Not counted in ClinVar's aggregate classification.
Comment: BRCA2: PVS1, PS4, PM2

Ambry Genetics
Classification: Likely pathogenic for Hereditary cancer-predisposing syndrome. Last evaluated: 2025-09-10. Review status: criteria provided, single submitter. Criteria: Ambry Variant Classification Scheme 2023. Collection method: clinical testing. Allele origin: germline. Not counted in ClinVar's aggregate classification.
Comment: The c.8023A>G variant (also known as p.I2675V), located in coding exon 17 of the BRCA2 gene, results from an A to G substitution at nucleotide position 8023. The isoleucine at codon 2675 is replaced by valine, an amino acid with highly similar properties. RNA studies have shown that this alteration creates a new donor site that results in an abnormal transcript with an in-frame loss of 309 nucleotides (Ambry internal data; Bonnet C et al. J Med Genet. 2008 Jul;45(7):438-46; Fraile-Bethencourt E et al. PLoS Genet. 2017 Mar;13:e1006691). In addition, this alteration has been reported in multiple individuals with personal and/or family history consistent with Hereditary Breast and Ovarian Cancer (HBOC) syndrome (Blay P et al. BMC Cancer. 2013 May;13:243; Fernandes GC et al. Oncotarget. 2016 Dec;7:80465-80481; Hirotsu Y et al. Mol Genet Genomic Med. 2015 Mar;3:121-9; Hirotsu Y et al. Oncotarget. 2017 Dec;8:114463-114473; Wen WX et al. J. Med. Genet. 2018 02;55:97-103; Liu Y et al. Mol Genet Genomic Med. 2019 03;7:e493; Tsaousis GN et al. BMC Cancer. 2019 Jun;19:535). This nucleotide position is highly conserved in available vertebrate species. In silico splice site analysis predicts that this alteration will result in the creation or strengthening of a novel splice donor site. Based on the majority of available evidence to date, this variant is likely to be pathogenic.

PreventionGenetics, part of Exact Sciences
Classification: Pathogenic for BRCA2-related condition. Last evaluated: 2024-10-25. Review status: criteria provided, single submitter. Criteria: ACMG Guidelines, 2015. Collection method: clinical testing. Allele origin: germline. Not counted in ClinVar's aggregate classification.
Comment: The BRCA2 c.8023A>G variant is predicted to result in the amino acid substitution p.Ile2675Val. This variant has been reported in multiple individuals with breast cancer (for example, see Nakamura et al. 2015. PubMed ID: 24249303; Kwong et al. 2016. PubMed ID: 27157322; Supplemental Data, Momozawa et al. 2018. PubMed ID: 30287823). It has also been observed in two individuals in a Japanese prostate cancer cohort (Table S5, Momozawa et al. 2020. PubMed ID: 31214711). RNA sequencing analysis and mini-gene splicing assays have demonstrated that the c.8023A>G variant activates a strong cryptic splice donor site leading to the in-frame deletion of 103 amino acids (p.Ile2675_Lys2577del) from the 3' end of BRCA2 exon 18 (Bonnet et al. 2008. PubMed ID: 18424508; Fraile-Bethencourt et al. 2017. PubMed ID: 28339459). This variant is reported in 0.0054% of alleles in individuals of East Asian descent in gnomAD and is interpreted as pathogenic by multiple submitters to ClinVar, including the ClinGen ENIGMA BRCA1 and BRCA2 Variant Curation Expert Panel. Taken together, this variant is interpreted as pathogenic.

Clinical Genetics Laboratory, Skane University Hospital Lund
Classification: Pathogenic. Last evaluated: 2024-04-03. Review status: criteria provided, single submitter. Criteria: ACMG Guidelines, 2015. Collection method: clinical testing. Allele origin: germline. Affected: yes. Not counted in ClinVar's aggregate classification.